The following is an entry in ClinVar:

ClinVar aggregate classification (germline): Uncertain significance (1 of 4 stars; one submission).

Conditions:
Lethal multiple pterygium syndrome (LMPS). Identifiers: Orphanet 33108, MedGen C1854678, MONDO:0009668, OMIM 253290.

Allele frequency attached by ClinVar (database versions not stated): gnomAD exomes 0.00001 and 0.00003; ExAC 0.00002; gnomAD 0.00007 and 0.00008; TOPMed 0.00009.

Submission:

Labcorp Genetics (formerly Invitae), Labcorp
Classification: Uncertain significance for Lethal multiple pterygium syndrome. Last evaluated: 2024-10-26. Review status: criteria provided, single submitter. Criteria: Invitae Variant Classification Sherloc (09022015). Collection method: clinical testing. Allele origin: germline.
Comment: This sequence change replaces valine, which is neutral and non-polar, with methionine, which is neutral and non-polar, at codon 511 of the CHRND protein (p.Val511Met). This variant is present in population databases (rs759384601, gnomAD 0.02%). This variant has not been reported in the literature in individuals affected with CHRND-related conditions. ClinVar contains an entry for this variant (Variation ID: 1360672). Invitae Evidence Modeling of protein sequence and biophysical properties (such as structural, functional, and spatial information, amino acid conservation, physicochemical variation, residue mobility, and thermodynamic stability) indicates that this missense variant is not expected to disrupt CHRND protein function with a negative predictive value of 95%. In summary, the available evidence is currently insufficient to determine the role of this variant in disease. Therefore, it has been classified as a Variant of Uncertain Significance.

NM_000751.3(CHRND):c.1531G>A (p.Val511Met)

Gene: CHRND (cholinergic receptor nicotinic delta subunit; plus strand). Cytogenetic location: 2q37.1.
Variant type: single nucleotide variant.
Coding change: c.1531G>A on transcript NM_000751.3 (MANE Select); coding-DNA position 1531, G replaced by A.
Protein change: p.Val511Met; replaces valine 511 with methionine.
Molecular consequence: missense variant.
Genome position (GRCh38, 1-based): chr2:232,535,289, G>A. VCF-style: chr2-232535289-G-A. GRCh37 (hg19) VCF-style: chr2-233399999-G-A.
Other names: c.1486G>A, p.Val496Met (NM_001256657.2); c.949G>A, p.Val317Met (NM_001311195.2); c.1228G>A, p.Val410Met (NM_001311196.2); short protein forms V496M, V511M, V317M, V410M.
Identifiers: ClinVar variation 1360672 (VCV001360672.6), dbSNP rs759384601, ClinGen allele CA2168376.